The following is an entry in ClinVar:

ClinVar aggregate classification (germline): Pathogenic/Likely pathogenic. Review status: criteria provided, multiple submitters, no conflicts (2 of 4 stars). 12 submissions from 11 submitters: Pathogenic (7); Likely pathogenic (1). 4 of the submissions do not count toward it. Last evaluated 2025-08-20.

Conditions:
USH2A-related disorder. Also called: USH2A-related disorders; USH2A-related condition. Identifiers: MedGen CN239332.
Retinal dystrophy. Also called: Inherited retinal dystrophy. Identifiers: Orphanet 71862, MedGen C0854723, MeSH D058499, MONDO:0019118, HP:0000556.
Usher syndrome type 2A. Also called: RETINAL DISEASE IN USHER SYNDROME TYPE IIA, MODIFIER OF; USHER SYNDROME, TYPE IIA. Identifiers: Orphanet 231178, Orphanet 886, MedGen C1848634, MONDO:0010169, OMIM 276901.
Retinitis pigmentosa 39 (RP39). Identifiers: Orphanet 791, MedGen C3151138, MONDO:0013436, OMIM 613809.

Submissions (12):

Natera, Inc.
Classification: Pathogenic for Usher syndrome type 2A. Last evaluated: 2025-08-20. Review status: criteria provided, single submitter. Criteria: Natera Variant Classification Schema (03/2026). Collection method: clinical testing. Allele origin: germline.
Comment: The c.7950dup variant in USH2A is a frameshift variant predicted to shift the reading frame beginning at codon 2651 and leads to a stop codon 10 codons downstream. This variant is expected to result in nonsense mediated decay, truncation, or a dysfunctional protein product. This variant is rare in the general population with a frequency below the threshold expected for the associated phenotype(s). This variant has been observed in one or more individuals affected with the associated recessive disease, as either homozygous or compound heterozygous with a second variant (PMID: 27460420). Given the available evidence, this variant is classified as Pathogenic.

Labcorp Genetics (formerly Invitae), Labcorp
Classification: Pathogenic. Last evaluated: 2024-03-02. Review status: criteria provided, single submitter. Criteria: Invitae Variant Classification Sherloc (09022015). Collection method: clinical testing. Allele origin: germline.
Comment: This sequence change creates a premature translational stop signal (p.Asn2651Glnfs*10) in the USH2A gene. It is expected to result in an absent or disrupted protein product. Loss-of-function variants in USH2A are known to be pathogenic (PMID: 10729113, 10909849, 20507924, 25649381). This variant is not present in population databases (gnomAD no frequency). This premature translational stop signal has been observed in individual(s) with Usher syndrome or retinitis pigmentosa (PMID: 26927203). ClinVar contains an entry for this variant (Variation ID: 280266). For these reasons, this variant has been classified as Pathogenic.

Baylor Genetics
Classification: Pathogenic for Retinitis pigmentosa 39. Last evaluated: 2024-01-01. Review status: criteria provided, single submitter. Criteria: ACMG Guidelines, 2015. Collection method: clinical testing. Allele origin: unknown.

Genome-Nilou Lab
Classification: Likely pathogenic for Retinitis pigmentosa 39. Last evaluated: 2023-11-04. Review status: criteria provided, single submitter. Criteria: ACMG Guidelines, 2015. Collection method: clinical testing. Allele origin: germline. Affected: no.

Blueprint Genetics
Classification: Pathogenic for USH2A-related disorders. Last evaluated: 2022-02-02. Review status: criteria provided, single submitter. Criteria: ACMG Guidelines, 2015. Collection method: clinical testing. Allele origin: germline. Affected: yes. Observed: 4 variant alleles.

Centre of Medical Genetics, University Hospital Muenster
Classification: Pathogenic. Last evaluated: 2021-08-02. Review status: criteria provided, single submitter. Criteria: ACMG Guidelines, 2015. Collection method: clinical testing. Allele origin: unknown. Affected: yes. Observed: 1 variant allele, 1 heterozygote.
Comment: ACMG categories: PVS1,PM2,PP5

GeneDx
Classification: Pathogenic. Last evaluated: 2017-12-05. Review status: criteria provided, single submitter. Criteria: GeneDx Variant Classification (06012015). Collection method: clinical testing. Allele origin: germline. Affected: yes.
Comment: This pathogenic variant is predicted to cause loss of normal protein function either through protein truncation or nonsense-mediated mRNA decay. The variant was not observed in approximately 6,500 individuals of European and African American ancestry in the NHLBI Exome Sequencing Project, indicating it is not a common benign variant in these populations. Although this variant has not been previously reported to our knowledge, we consider it to the pathogenic.

CeGaT Center for Human Genetics Tuebingen
Classification: Pathogenic. Last evaluated: 2017-05-01. Review status: criteria provided, single submitter. Criteria: CeGaT Center For Human Genetics Tuebingen Variant Classification Criteria Version 2. Collection method: clinical testing. Allele origin: germline. Affected: yes. Observed: 1 variant allele.

Institute of Human Genetics, Univ. Regensburg, Univ. Regensburg
Classification: Pathogenic for Retinal dystrophy. Last evaluated: 2022-01-01. Review status: no assertion criteria provided. Criteria: ACMG Guidelines, 2015. Collection method: clinical testing. Allele origin: germline. Affected: yes. Not counted in ClinVar's aggregate classification.

Counsyl
Classification: Pathogenic for Usher syndrome type 2A. Last evaluated: 2017-03-09. Review status: no assertion criteria provided. Collection method: clinical testing. Allele origin: unknown. Not counted in ClinVar's aggregate classification.

Counsyl
Classification: Pathogenic for Retinitis pigmentosa 39. Last evaluated: 2017-03-09. Review status: no assertion criteria provided. Collection method: clinical testing. Allele origin: unknown. Not counted in ClinVar's aggregate classification.

Joint Genome Diagnostic Labs from Nijmegen and Maastricht, Radboudumc and MUMC+
Classification: Pathogenic for Retinitis pigmentosa 39. Last evaluated: 2016-09-01. Review status: no assertion criteria provided. Collection method: clinical testing. Allele origin: unknown. Affected: yes. Observed: 1 variant allele. Not counted in ClinVar's aggregate classification.

Literature cited by the submitters: PubMed 27460420 (cited by Natera, Inc. and Counsyl); PubMed 10729113 (cited by Labcorp Genetics (formerly Invitae), Labcorp); PubMed 10909849 (cited by Labcorp Genetics (formerly Invitae), Labcorp); PubMed 20507924 (cited by Labcorp Genetics (formerly Invitae), Labcorp); PubMed 25649381 (cited by Labcorp Genetics (formerly Invitae), Labcorp); PubMed 26927203 (cited by Labcorp Genetics (formerly Invitae), Labcorp and Counsyl).

NM_206933.4(USH2A):c.7950dup (p.Asn2651fs)

Gene: USH2A (usherin; minus strand). Cytogenetic location: 1q41.
Variant type: Duplication.
Coding change: c.7950dup on transcript NM_206933.4 (MANE Select); coding-DNA position 7950, one base duplicated (C; older notation c.7950dupC).
Protein change: p.Asn2651fs; shifts the reading frame from asparagine 2651.
Molecular consequence: frameshift variant.
Genome position (GRCh38, 1-based): chr1:215,888,699, G duplicated on the plus strand (C on the coding strand, the reverse complement: USH2A is on the minus strand); the first of 4 consecutive G bases (chr1:215,888,699-215,888,702); duplicating any one gives the same sequence. VCF-style (leftmost placement, unchanged base first): chr1-215888698-T-TG. GRCh37 (hg19) VCF-style: chr1-216062040-T-TG.
Other names: c.7950dupC (NM_206933.3, NM_206933.2); c.7950dup (NM_206933.2); short protein forms N2651fs.
Identifiers: ClinVar variation 280266 (VCV000280266.61), dbSNP rs886041502, ClinGen allele CA10602757.
Genomic context (GRCh38, chr1:215,888,698, plus strand): 5'-TAGTAACTTCTTCCTTTCCTTTGACTCTTCTCTCAATTGTGAAATTCTCCACCAAGCCAT[T>TG]GGGGTGGGTAGGGGGTTGCCAAGATATAATCACAGATGTTGGAGTATCAGAGAACAGCTC-3'